The following is an entry in ClinVar:

GRCh37/hg19 Xp21.1-11.22(chrX:36355238-54106257)x1

Genes: AKAP4 (A-kinase anchoring protein 4; minus strand), ARAF (A-Raf proto-oncogene, serine/threonine kinase; plus strand), ATP6AP2 (ATPase H+ transporting accessory protein 2; plus strand), BCOR (BCL6 corepressor; minus strand), BMP15 (bone morphogenetic protein 15; plus strand) and 152 more. Cytogenetic location: Xp21.1-11.22.
Variant type: copy number loss.
Change: copy number 1 of chrX:36,355,238-54,106,257 (17.75 Mb, GRCh37 coordinates, 1-based), cytogenetic band Xp21.1-11.22.
Identifiers: ClinVar variation 2685708 (VCV002685708.1).

ClinVar aggregate classification (germline): Pathogenic (1 of 4 stars; one submission).

Submission:

Quest Diagnostics Nichols Institute San Juan Capistrano
Classification: Pathogenic. Last evaluated: 2022-09-19. Review status: criteria provided, single submitter. Criteria: ACMG/ClinGen CNV Guidelines, 2019. Collection method: clinical testing. Allele origin: unknown.
Comment: The copy number loss of Xp21.1p11.22 involves numerous protein-coding genes. Haploinsufficiency of DDX3X is associated with autosomal dominant syndromic X-linked intellectual disability of the Snijders Blok type (OMIM 300958, Rehm 2015 (HGNC:2745)). Furthermore, deletions of Xp11.4p11.3 have been identified in female patients with a variety of phenotypes (Catino 2022, Hinds 2018). There are no similar copy number losses of this region in the general populations of the Database of Genomic Variants. Thus, based on current medical literature and gene content, this copy number variant (CNV) is classified as pathogenic. References: Catino et al., Am J Med Genet A. 2022 Jun;188(6):1836-1847. PMID: 35238482 Hinds et al., Ophthalmic Genet. 2018 Jun;39(3):396-398. PMID: 29617172 Rehm et al., N Engl J Med. 2015 Jun 4;372(23):2235-42. PMID: 26014595 (HGNC:2745)